The following is an entry in ClinVar:

ClinVar aggregate classification (germline): Conflicting classifications of pathogenicity. Review status: criteria provided, conflicting classifications (1 of 4 stars). 3 submissions from 3 submitters: Uncertain significance (2); Likely benign (1). Last evaluated 2023-03-23.

Conditions:
Hereditary cancer-predisposing syndrome. Also called: Hereditary Cancer Syndrome; Neoplastic Syndromes, Hereditary; Tumor predisposition; Hereditary neoplastic syndrome. Identifiers: Orphanet 140162, MedGen C0027672, MeSH D009386, MONDO:0015356.

Submissions (3):

University of Washington Department of Laboratory Medicine, University of Washington
Classification: Likely benign for Hereditary cancer-predisposing syndrome. Last evaluated: 2023-03-23. Review status: criteria provided, single submitter. Criteria: Dines et al. (Genet Med. 2020). Collection method: curation. Allele origin: germline.
Comment: Missense variant in a coldspot region where missense variants are very unlikely to be pathogenic (PMID:31911673).

BRCA1 coldspot (exon 11 using historical exon numbering). Reclassification based on statistical prior probability

Ambry Genetics
Classification: Uncertain significance for Hereditary cancer-predisposing syndrome. Last evaluated: 2019-08-11. Review status: criteria provided, single submitter. Criteria: Ambry Variant Classification Scheme 2023. Collection method: clinical testing. Allele origin: germline.
Comment: The p.N824H variant (also known as c.2470A>C), located in coding exon 9 of the BRCA1 gene, results from an A to C substitution at nucleotide position 2470. The asparagine at codon 824 is replaced by histidine, an amino acid with similar properties. This variant was reported in one of 313 unselected Chinese breast cancer patients and was classified as a variant of unknown significance by the authors (Li G et al. J. Cancer Res. Clin. Oncol., 2017 Oct;143:2011-2024). This amino acid position is not well conserved in available vertebrate species. In addition, this alteration is predicted to be tolerated by in silico analysis. Since supporting evidence is limited at this time, the clinical significance of this alteration remains unclear.

Color Diagnostics, LLC DBA Color Health
Classification: Uncertain significance for Hereditary cancer-predisposing syndrome. Last evaluated: 2019-06-16. Review status: criteria provided, single submitter. Criteria: ACMG Guidelines, 2015. Collection method: clinical testing. Allele origin: germline.

Literature cited by the submitters: PubMed 28664449 (cited by Ambry Genetics).

NM_007294.4(BRCA1):c.2470A>C (p.Asn824His)

Gene: BRCA1 (BRCA1 DNA repair associated; minus strand). Cytogenetic location: 17q21.31.
Variant type: single nucleotide variant.
Coding change: c.2470A>C on transcript NM_007294.4 (MANE Select); coding-DNA position 2470, A replaced by C.
Protein change: p.Asn824His; replaces asparagine 824 with histidine.
Molecular consequence: missense variant. On other transcripts: intron variant (137).
Genome position (GRCh38, 1-based): chr17:43,093,061, T>G on the plus strand (A>C on the coding strand, the complement: BRCA1 is on the minus strand). VCF-style: chr17-43093061-T-G. GRCh37 (hg19) VCF-style: chr17-41245078-T-G.
Other names: c.2470A>C, p.Asn824His (NM_001407593.1, NM_001407594.1, NM_001407597.1 and 30 more transcripts); c.2260A>C, p.Asn754His (NM_001407902.1, NM_001407904.1, NM_001407907.1 and 13 more transcripts); c.2257A>C, p.Asn753His (NM_001407899.1, NM_001407571.1, NM_001407853.1 and 9 more transcripts); c.2467A>C, p.Asn823His (NM_001407587.1, NM_001407590.1, NM_001407591.1 and 22 more transcripts); c.2461A>C, p.Asn821His (NM_001407646.1, NM_001407647.1); c.2347A>C, p.Asn783His (NM_001407648.1, NM_001407664.1, NM_001407665.1 and 19 more transcripts); c.2344A>C, p.Asn782His (NM_001407649.1, NM_001407670.1, NM_001407671.1 and 11 more transcripts); c.2392A>C, p.Asn798His (NM_001407653.1, NM_001407654.1, NM_001407655.1 and 4 more transcripts); and 41 more; short protein forms N824H, N777H, N735H, N736H, N756H, N821H, N656H, N697H.
Identifiers: ClinVar variation 489710 (VCV000489710.11), dbSNP rs1555589617, ClinGen allele CA10597065.
Genomic context (GRCh38, chr17:43,093,061, plus strand): 5'-TTGTTTCCCGACTGTGGTTAACTTCATGTCCCAATGGATACTTAAAGCCTTCTGTGTCAT[T>G]TCTATTATCTTTGGAACAACCATGAATTAGTCCCTTGGGGTTTTCAAATGCTGCACACTG-3'
Protein context (NP_009225.1, residues 814-834): LIHGCSKDNR[Asn824His]DTEGFKYPLG